The following is an entry in ClinVar:

ClinVar aggregate classification (germline): Uncertain significance (1 of 4 stars; one submission).

Conditions:
Familial adenomatous polyposis 1 (FAP1). Also called: FAMILIAL ADENOMATOUS POLYPOSIS 1, ATTENUATED; POLYPOSIS, ADENOMATOUS INTESTINAL. Identifiers: MedGen C2713442, MONDO:0021056, OMIM 175100. Disease mechanism: loss of function.

Submission:

Labcorp Genetics (formerly Invitae), Labcorp
Classification: Uncertain significance for Familial adenomatous polyposis 1. Last evaluated: 2025-11-25. Review status: criteria provided, single submitter. Criteria: Invitae Variant Classification Sherloc (09022015). Collection method: clinical testing. Allele origin: germline.
Comment: This variant occurs in a non-coding region of the APC gene. It does not change the encoded amino acid sequence of the APC protein. This variant is not present in population databases (gnomAD no frequency). This variant has not been reported in the literature in individuals affected with APC-related conditions. Experimental studies and prediction algorithms are not available or were not evaluated, and the functional significance of this variant is currently unknown. In summary, the available evidence is currently insufficient to determine the role of this variant in disease. Therefore, it has been classified as a Variant of Uncertain Significance.

NC_000005.10:g.112707341G>A

Gene: APC (APC regulator of Wnt signaling pathway; plus strand). Cytogenetic location: 5q22.2.
Variant type: single nucleotide variant.
Genome position: GRCh38 VCF-style: chr5-112707341-G-A. GRCh37 (hg19) VCF-style: chr5-112043038-G-A.
Identifiers: ClinVar variation 2878787 (VCV002878787.3), dbSNP rs1554060097, ClinGen allele CA2739274964.